The following is an entry in ClinVar:

NM_015158.5(KANK1):c.3311A>G (p.Lys1104Arg)

Gene: KANK1 (KN motif and ankyrin repeat domains 1; plus strand). Cytogenetic location: 9p24.3.
Variant type: single nucleotide variant.
Coding change: c.3311A>G on transcript NM_015158.5 (MANE Select); coding-DNA position 3311, A replaced by G.
Protein change: p.Lys1104Arg; replaces lysine 1104 with arginine.
Molecular consequence: missense variant. On other transcripts: non-coding transcript variant (1).
Genome position (GRCh38, 1-based): chr9:734,813, A>G. VCF-style: chr9-734813-A-G. GRCh37 (hg19) VCF-style: chr9-734813-A-G.
Other names: c.2837A>G, p.Lys946Arg (NM_001354335.2, NM_001354337.2, NM_001354341.2 and 2 more transcripts); c.2543A>G, p.Lys848Arg (NM_001354336.2); c.2783A>G, p.Lys928Arg (NM_001354338.2, NM_001354340.2, NM_001354344.2); c.2597A>G, p.Lys866Arg (NM_001354339.2, NM_001354342.2, NM_001354343.2); c.3311A>G, p.Lys1104Arg (NM_001256876.3, NM_001256877.3, NM_001354334.2); c.3071A>G, p.Lys1024Arg (NM_001354331.2); c.3257A>G, p.Lys1086Arg (NM_001354332.2); short protein forms K1024R, K928R, K866R, K1104R, K848R, K1086R, K946R.
Identifiers: ClinVar variation 3647015 (VCV003647015.2).

ClinVar aggregate classification (germline): Uncertain significance (1 of 4 stars; one submission).

gnomAD v4.1: 1 of 1,613,194 alleles (0.000062%); no homozygotes.

Submission:

Labcorp Genetics (formerly Invitae), Labcorp
Classification: Uncertain significance. Last evaluated: 2024-03-25. Review status: criteria provided, single submitter. Criteria: Invitae Variant Classification Sherloc (09022015). Collection method: clinical testing. Allele origin: germline.
Comment: This sequence change replaces lysine, which is basic and polar, with arginine, which is basic and polar, at codon 1104 of the KANK1 protein (p.Lys1104Arg). This variant is not present in population databases (gnomAD no frequency). This variant has not been reported in the literature in individuals affected with KANK1-related conditions. Advanced modeling of protein sequence and biophysical properties (such as structural, functional, and spatial information, amino acid conservation, physicochemical variation, residue mobility, and thermodynamic stability) performed at Invitae indicates that this missense variant is not expected to disrupt KANK1 protein function with a negative predictive value of 80%. In summary, the available evidence is currently insufficient to determine the role of this variant in disease. Therefore, it has been classified as a Variant of Uncertain Significance.